The following is an entry in ClinVar:

ClinVar aggregate classification (germline): Uncertain significance (1 of 4 stars; one submission).

Conditions:
Holoprosencephaly 11 (HPE11). Identifiers: Orphanet 2162, MedGen C3280215, MONDO:0013642, OMIM 614226.

Submission:

Labcorp Genetics (formerly Invitae), Labcorp
Classification: Uncertain significance for Holoprosencephaly 11. Last evaluated: 2025-09-27. Review status: criteria provided, single submitter. Criteria: Invitae Variant Classification Sherloc (09022015). Collection method: clinical testing. Allele origin: germline.
Comment: This sequence change replaces glycine, which is neutral and non-polar, with arginine, which is basic and polar, at codon 443 of the CDON protein (p.Gly443Arg). This variant is not present in population databases (gnomAD no frequency). This variant has not been reported in the literature in individuals affected with CDON-related conditions. Invitae Evidence Modeling of protein sequence and biophysical properties (such as structural, functional, and spatial information, amino acid conservation, physicochemical variation, residue mobility, and thermodynamic stability) has been performed for this missense variant. However, the output from this modeling did not meet the statistical confidence thresholds required to predict the impact of this variant on CDON protein function. In summary, the available evidence is currently insufficient to determine the role of this variant in disease. Therefore, it has been classified as a Variant of Uncertain Significance.

NM_001378964.1(CDON):c.1327G>C (p.Gly443Arg)

Gene: CDON (cell adhesion associated, oncogene regulated; minus strand). Cytogenetic location: 11q24.2.
Variant type: single nucleotide variant.
Coding change: c.1327G>C on transcript NM_001378964.1 (MANE Select); coding-DNA position 1327, G replaced by C.
Protein change: p.Gly443Arg; replaces glycine 443 with arginine.
Molecular consequence: missense variant.
Genome position (GRCh38, 1-based): chr11:126,010,566, C>G on the plus strand (G>C on the coding strand, the complement: CDON is on the minus strand). VCF-style: chr11-126010566-C-G. GRCh37 (hg19) VCF-style: chr11-125880461-C-G.
Other names: c.1327G>C, p.Gly443Arg (NM_001243597.3, NM_001441161.1, NM_001441162.1 and 5 more transcripts); short protein forms G443R.
Identifiers: ClinVar variation 4745022 (VCV004745022.1).